The following is an entry in ClinVar:

ClinVar aggregate classification (germline): Uncertain significance (1 of 4 stars; one submission).

Conditions:
Nephronophthisis 14 (NPHP14). Identifiers: Orphanet 2318, MedGen C3539071, MONDO:0013916, OMIM 614844.

Allele frequency attached by ClinVar (database versions not stated): gnomAD exomes below 0.00001; TOPMed below 0.00001.
gnomAD v4.1: 1 of 1,612,974 alleles (0.000062%); highest among the groups gnomAD compares: African/African-American, 0.0013%; no homozygotes.

Submission:

Labcorp Genetics (formerly Invitae), Labcorp
Classification: Uncertain significance for Nephronophthisis 14. Last evaluated: 2022-11-08. Review status: criteria provided, single submitter. Criteria: Invitae Variant Classification Sherloc (09022015). Collection method: clinical testing. Allele origin: germline.
Comment: This sequence change replaces methionine, which is neutral and non-polar, with threonine, which is neutral and polar, at codon 960 of the ZNF423 protein (p.Met960Thr). This variant is not present in population databases (gnomAD no frequency). This variant has not been reported in the literature in individuals affected with ZNF423-related conditions. Advanced modeling of protein sequence and biophysical properties (such as structural, functional, and spatial information, amino acid conservation, physicochemical variation, residue mobility, and thermodynamic stability) performed at Invitae indicates that this missense variant is not expected to disrupt ZNF423 protein function. In summary, the available evidence is currently insufficient to determine the role of this variant in disease. Therefore, it has been classified as a Variant of Uncertain Significance.

NM_001379286.1(ZNF423):c.2903T>C (p.Met968Thr)

Gene: ZNF423 (zinc finger protein 423; minus strand). Cytogenetic location: 16q12.1.
Variant type: single nucleotide variant.
Coding change: c.2903T>C on transcript NM_001379286.1 (MANE Select); coding-DNA position 2903, T replaced by C.
Protein change: p.Met968Thr; replaces methionine 968 with threonine.
Molecular consequence: missense variant.
Genome position (GRCh38, 1-based): chr16:49,636,273, A>G on the plus strand (T>C on the coding strand, the complement: ZNF423 is on the minus strand). VCF-style: chr16-49636273-A-G. GRCh37 (hg19) VCF-style: chr16-49670184-A-G.
Other names: c.2699T>C, p.Met900Thr (NM_001271620.2); c.2528T>C, p.Met843Thr (NM_001330533.2); c.2879T>C, p.Met960Thr (NM_015069.5); short protein forms M843T, M900T, M968T, M960T.
Identifiers: ClinVar variation 2124071 (VCV002124071.4), dbSNP rs1972697806, ClinGen allele CA395841131.